The following is an entry in ClinVar:

NM_002485.5(NBN):c.348C>A (p.Cys116Ter)

Gene: NBN (nibrin; minus strand). Cytogenetic location: 8q21.3.
Variant type: single nucleotide variant.
Coding change: c.348C>A on transcript NM_002485.5 (MANE Select); coding-DNA position 348, C replaced by A.
Protein change: p.Cys116Ter; replaces cysteine 116 with a stop codon.
Molecular consequence: nonsense.
Genome position (GRCh38, 1-based): chr8:89,980,866, G>T on the plus strand (C>A on the coding strand, the complement: NBN is on the minus strand). VCF-style: chr8-89980866-G-T. GRCh37 (hg19) VCF-style: chr8-90993094-G-T.
Other names: c.102C>A, p.Cys34Ter (NM_001024688.3, NM_001440379.1, NM_001440380.1); short protein forms C116*, C34*.
Identifiers: ClinVar variation 4719665 (VCV004719665.1).

ClinVar aggregate classification (germline): Pathogenic (1 of 4 stars; one submission).

Conditions:
Microcephaly, normal intelligence and immunodeficiency (NBS). Also called: BERLIN BREAKAGE SYNDROME; Immunodeficiency, microcephaly with normal intelligence; IMMUNODEFICIENCY, MICROCEPHALY, AND CHROMOSOMAL INSTABILITY; SEEMANOVA SYNDROME II; Ataxia telangiectasia variant V1; Nijmegen breakage syndrome. Identifiers: Orphanet 647, MedGen C0398791, MONDO:0009623, OMIM 251260.

Submission:

Labcorp Genetics (formerly Invitae), Labcorp
Classification: Pathogenic for Microcephaly, normal intelligence and immunodeficiency. Last evaluated: 2025-07-01. Review status: criteria provided, single submitter. Criteria: Invitae Variant Classification Sherloc (09022015). Collection method: clinical testing. Allele origin: germline.
Comment: This sequence change creates a premature translational stop signal (p.Cys116*) in the NBN gene. It is expected to result in an absent or disrupted protein product. Loss-of-function variants in NBN are known to be pathogenic (PMID: 9590180, 16415040). This variant is not present in population databases (gnomAD no frequency). This variant has not been reported in the literature in individuals affected with NBN-related conditions. For these reasons, this variant has been classified as Pathogenic.

Literature cited by the submitters: PubMed 9590180; PubMed 16415040.